The following is an entry in ClinVar:

ClinVar aggregate classification (germline): Uncertain significance (0 of 4 stars; one submission).

Conditions:
Epilepsy. Also called: Seizure disorder. Identifiers: MedGen C0014544, MeSH D004827, MONDO:0005027.

Submission:

Neurology Clinic, Baycare Health Sytem
Classification: Uncertain significance for epilepsy. Review status: no assertion criteria provided. Collection method: clinical testing. Allele origin: de novo. Inheritance: Mitochondrial inheritance.
Comment: The MT-CO2 variant m.7718A>T p.COX2:(Thr45Ser) causes an amino acid change from Thr to Ser at position 45. lt is currently absent from all considered databases. lt is classified as a variant of uncertain significance according to the recommendations of Centogene and ACMG. The MT-CO2 gene encodes the cytochrome c oxidase subunit ll of respiratory complex lV (cytochrome C oxidase). Cytochrome c oxidase (COX) deficiency is one of the most common respiratory chain deficiencies (Debray et al., 2014 - PMID. 24956508). the phenotype of pathogenic variants associated with mutations in COX subunit genes is known to be highly variable, ranging for example from isolated myopathy to multisystem disease, with onset from late childhood to adulthood (Shoubridge et al., 2001 - PMID: 11579424).

Literature cited by the submitters: PubMed 24956508; PubMed 11579424.

NC_012920.1(MT-CO2):m.7718A>T

Gene: MT-CO2 (mitochondrially encoded cytochrome c oxidase II; plus strand).
Variant type: single nucleotide variant.
Genome position: chrM-7718-A-T.
Identifiers: ClinVar variation 4279639 (VCV004279639.1).